The following is an entry in ClinVar:

NM_022455.5(NSD1):c.6431del (p.Ala2144fs)

Gene: NSD1 (nuclear receptor binding SET domain protein 1; plus strand). Cytogenetic location: 5q35.3.
Variant type: Deletion.
Coding change: c.6431del on transcript NM_022455.5 (MANE Select); coding-DNA position 6431, one base deleted (C; older notation c.6431delC).
Protein change: p.Ala2144fs; shifts the reading frame from alanine 2144.
Molecular consequence: frameshift variant.
Genome position (GRCh38, 1-based): chr5:177,292,126, C deleted. VCF-style (leftmost placement, unchanged base first): chr5-177292125-GC-G. GRCh37 (hg19) VCF-style: chr5-176719126-GC-G.
Other names: c.5558delC, p.Ala1853Glufs (NM_001365684.2, NM_001409308.1, NM_172349.5); c.6431delC, p.Ala2144Glufs (NM_001409301.1, NM_001409302.1, NM_001409303.1 and 1 more transcripts); c.6011delC, p.Ala2004Glufs (NM_001409304.1); c.5678delC, p.Ala1893Glufs (NM_001409305.1); c.5669delC, p.Ala1890Glufs (NM_001409306.1, NM_001409307.1); c.5309delC, p.Ala1770Glufs (NM_001409309.1); short protein forms A2144fs, A1875fs.
Identifiers: ClinVar variation 159420 (VCV000159420.11), dbSNP rs587784198, ClinGen allele CA295076.

ClinVar aggregate classification (germline): Pathogenic. Review status: criteria provided, multiple submitters, no conflicts (2 of 4 stars). 2 submissions from 2 submitters: Pathogenic (2). Last evaluated 2022-03-26.

Conditions:
Sotos syndrome (SOTOS). Also called: Distinctive facial appearance, overgrowth in childhood, and learning disabilities or delayed development; CEREBRAL GIGANTISM; Sotos' syndrome; CHROMOSOME 5q35 DELETION SYNDROME; SOTOS SYNDROME 1. Identifiers: Orphanet 821, MedGen C0175695, MONDO:0019349, OMIM 117550.

Submissions (2):

Labcorp Genetics (formerly Invitae), Labcorp
Classification: Pathogenic. Last evaluated: 2022-03-26. Review status: criteria provided, single submitter. Criteria: Invitae Variant Classification Sherloc (09022015). Collection method: clinical testing. Allele origin: germline.
Comment: For these reasons, this variant has been classified as Pathogenic. This variant disrupts a region of the NSD1 protein in which other variant(s) (p.Cys2164Arg) have been determined to be pathogenic (PMID: 15942875; Invitae). This suggests that this is a clinically significant region of the protein, and that variants that disrupt it are likely to be disease-causing. ClinVar contains an entry for this variant (Variation ID: 159420). This variant has not been reported in the literature in individuals affected with NSD1-related conditions. This variant is not present in population databases (gnomAD no frequency). This sequence change creates a premature translational stop signal (p.Ala2144Glufs*6) in the NSD1 gene. While this is not anticipated to result in nonsense mediated decay, it is expected to disrupt the last 553 amino acid(s) of the NSD1 protein.

Genetic Services Laboratory, University of Chicago
Classification: Pathogenic for Sotos syndrome 1. Last evaluated: 2013-02-08. Review status: criteria provided, single submitter. Criteria: ACMG Guidelines, 2007. Collection method: clinical testing. Allele origin: germline. Inheritance: Autosomal dominant inheritance. Affected: yes.

Literature cited by the submitters: PubMed 15942875 (cited by Labcorp Genetics (formerly Invitae), Labcorp).